The following is an entry in ClinVar:

NM_052947.4(ALPK2):c.1077C>A (p.Ser359Arg)

Genes: ALPK2 (alpha kinase 2; minus strand), LOC114803473 (ALPK2 eExon liver enhancer; plus strand). Cytogenetic location: 18q21.31.
Variant type: single nucleotide variant.
Coding change: c.1077C>A on transcript NM_052947.4 (MANE Select); coding-DNA position 1077, C replaced by A.
Protein change: p.Ser359Arg; replaces serine 359 with arginine.
Molecular consequence: missense variant.
Genome position (GRCh38, 1-based): chr18:58,579,699, G>T on the plus strand (C>A on the coding strand, the complement: ALPK2 is on the minus strand). VCF-style: chr18-58579699-G-T. GRCh37 (hg19) VCF-style: chr18-56246931-G-T.
Other names: short protein forms S359R.
Identifiers: ClinVar variation 2561810 (VCV002561810.2), dbSNP rs752858579, ClinGen allele CA402564825.
Genomic context (GRCh38, chr18:58,579,699, plus strand): 5'-ACTGAGGAAATGCTCACACCCACCCAGGCAATGCTCACCGAATTCCATCTCTTCGTCATC[G>T]CTTTCTAATAAAAAAACATGCTCAGTCCCCAGCAGGTTCCTTTGCCAAACTGCATTAGAG-3'
Protein context (NP_443179.3, residues 349-369): LGTEHVFLLE[Ser359Arg]DDEEMEFGEH

ClinVar aggregate classification (germline): Uncertain significance (1 of 4 stars; one submission).

gnomAD v4.1: 1 of 1,613,878 alleles (0.000062%); highest among the groups gnomAD compares: Admixed American, 0.0017%; no homozygotes.

Submission:

Ambry Genetics
Classification: Uncertain significance. Last evaluated: 2023-04-28. Review status: criteria provided, single submitter. Criteria: Ambry Variant Classification Scheme 2023. Collection method: clinical testing. Allele origin: germline.
Comment: The p.S359R variant (also known as c.1077C>A), located in coding exon 3 of the ALPK2 gene, results from a C to A substitution at nucleotide position 1077. The serine at codon 359 is replaced by arginine, an amino acid with dissimilar properties. This amino acid position is conserved. In addition, this alteration is predicted to be tolerated by in silico analysis. Since supporting evidence is limited at this time, the clinical significance of this alteration remains unclear.